The following is an entry in ClinVar:

ClinVar aggregate classification (germline): Uncertain significance (1 of 4 stars; one submission).

gnomAD v4.1: 2 of 1,614,036 alleles (0.00012%); highest among the groups gnomAD compares: Non-Finnish European, 0.00017%; no homozygotes.

Submission:

GeneDx
Classification: Uncertain significance. Last evaluated: 2024-07-01. Review status: criteria provided, single submitter. Criteria: GeneDx Variant Classification Process June 2021. Collection method: clinical testing. Allele origin: germline. Affected: yes.
Comment: In silico analysis supports that this missense variant has a deleterious effect on protein structure/function; Has not been previously published as pathogenic or benign to our knowledge

NM_016628.5(WAC):c.179G>A (p.Arg60Gln)

Gene: WAC (WW domain containing adaptor with coiled-coil; plus strand). Cytogenetic location: 10p12.1.
Variant type: single nucleotide variant.
Coding change: c.179G>A on transcript NM_016628.5 (MANE Select); coding-DNA position 179, G replaced by A.
Protein change: p.Arg60Gln; replaces arginine 60 with glutamine.
Molecular consequence: missense variant.
Genome position (GRCh38, 1-based): chr10:28,535,662, G>A. VCF-style: chr10-28535662-G-A. GRCh37 (hg19) VCF-style: chr10-28824591-G-A.
Other names: c.44G>A, p.Arg15Gln (NM_100264.3); c.179G>A, p.Arg60Gln (NM_100486.4); short protein forms R60Q, R15Q.
Identifiers: ClinVar variation 3393612 (VCV003393612.1).